The following is an entry in ClinVar:

NM_033028.5(BBS4):c.405+10G>A

Gene: BBS4 (Bardet-Biedl syndrome 4; plus strand). Cytogenetic location: 15q24.1.
Variant type: single nucleotide variant.
Coding change: c.405+10G>A on transcript NM_033028.5 (MANE Select); 10 bases into the intron after coding-DNA position 405, G replaced by A.
Molecular consequence: intron variant.
Genome position (GRCh38, 1-based): chr15:72,716,860, G>A. VCF-style: chr15-72716860-G-A. GRCh37 (hg19) VCF-style: chr15-73009201-G-A.
Other names: c.405+10G>A (NM_001320665.2); c.-117+10G>A (NM_001252678.2).
Identifiers: ClinVar variation 4993411 (VCV004993411.1).

ClinVar aggregate classification (germline): Uncertain significance (1 of 4 stars; one submission).

Conditions:
BBS4-related disorder. Also called: BBS4-related condition.

Submission:

PreventionGenetics, part of Exact Sciences
Classification: Uncertain significance for BBS4-related condition. Last evaluated: 2025-10-30. Review status: criteria provided, single submitter. Criteria: ACMG Guidelines, 2015. Collection method: clinical testing. Allele origin: germline.
Comment: The BBS4 c.405+10G>A variant is predicted to interfere with splicing. To our knowledge, this variant has not been reported in the literature or in a large population database (gnomAD), indicating this variant is rare. However, the use of computer prediction programs is not equivalent to functional evidence, and therefore the clinical significance of this variant is uncertain.